The following is an entry in ClinVar:

NM_145691.4(ATPAF2):c.649A>G (p.Met217Val)

Gene: ATPAF2 (ATP synthase mitochondrial F1 complex assembly factor 2; minus strand). Cytogenetic location: 17p11.2.
Variant type: single nucleotide variant.
Coding change: c.649A>G on transcript NM_145691.4 (MANE Select); coding-DNA position 649, A replaced by G.
Protein change: p.Met217Val; replaces methionine 217 with valine.
Molecular consequence: missense variant.
Genome position (GRCh38, 1-based): chr17:18,021,206, T>C on the plus strand (A>G on the coding strand, the complement: ATPAF2 is on the minus strand). VCF-style: chr17-18021206-T-C. GRCh37 (hg19) VCF-style: chr17-17924520-T-C.
Other names: short protein forms M217V.
Identifiers: ClinVar variation 1951547 (VCV001951547.5), dbSNP rs372487266, ClinGen allele CA8421784.

ClinVar aggregate classification (germline): Uncertain significance (1 of 4 stars; one submission).

Allele frequency attached by ClinVar (database versions not stated): TOPMed below 0.00001; ExAC 0.00001; ESP Exome Variant Server 0.00008.

Submission:

Labcorp Genetics (formerly Invitae), Labcorp
Classification: Uncertain significance. Last evaluated: 2022-05-12. Review status: criteria provided, single submitter. Criteria: Invitae Variant Classification Sherloc (09022015). Collection method: clinical testing. Allele origin: germline.
Comment: Algorithms developed to predict the effect of missense changes on protein structure and function output the following: SIFT: "Tolerated"; PolyPhen-2: "Benign"; Align-GVGD: "Class C0". The valine amino acid residue is found in multiple mammalian species, which suggests that this missense change does not adversely affect protein function. In summary, the available evidence is currently insufficient to determine the role of this variant in disease. Therefore, it has been classified as a Variant of Uncertain Significance. This variant has not been reported in the literature in individuals affected with ATPAF2-related conditions. This variant is present in population databases (rs372487266, gnomAD 0.007%). This sequence change replaces methionine, which is neutral and non-polar, with valine, which is neutral and non-polar, at codon 217 of the ATPAF2 protein (p.Met217Val).